The following is an entry in ClinVar:

NM_001256317.3(TMPRSS3):c.204C>A (p.Gly68=)

Gene: TMPRSS3 (transmembrane serine protease 3; minus strand). Cytogenetic location: 21q22.3.
Variant type: single nucleotide variant.
Coding change: c.204C>A on transcript NM_001256317.3 (MANE Select); coding-DNA position 204, C replaced by A.
Protein change: p.Gly68=; no amino-acid change (glycine 68 retained).
Molecular consequence: synonymous variant.
Genome position (GRCh38, 1-based): chr21:42,389,928, G>T on the plus strand (C>A on the coding strand, the complement: TMPRSS3 is on the minus strand). VCF-style: chr21-42389928-G-T. GRCh37 (hg19) VCF-style: chr21-43810037-G-T.
Other names: c.204C>A, p.Gly68= (NM_024022.4, NM_032405.2).
Identifiers: ClinVar variation 2129990 (VCV002129990.1), dbSNP rs2052706213, ClinGen allele CA512424011.

ClinVar aggregate classification (germline): Uncertain significance (1 of 4 stars; one submission).

Submission:

Labcorp Genetics (formerly Invitae), Labcorp
Classification: Uncertain significance. Last evaluated: 2022-04-24. Review status: criteria provided, single submitter. Criteria: Invitae Variant Classification Sherloc (09022015). Collection method: clinical testing. Allele origin: germline.
Comment: This sequence change affects codon 68 of the TMPRSS3 mRNA. It is a 'silent' change, meaning that it does not change the encoded amino acid sequence of the TMPRSS3 protein. It affects a nucleotide within the consensus splice site. This variant is not present in population databases (gnomAD no frequency). This variant has not been reported in the literature in individuals affected with TMPRSS3-related conditions. Algorithms developed to predict the effect of sequence changes on RNA splicing suggest that this variant is not likely to affect RNA splicing. In summary, the available evidence is currently insufficient to determine the role of this variant in disease. Therefore, it has been classified as a Variant of Uncertain Significance.